The following is an entry in ClinVar:

ClinVar aggregate classification (germline): Conflicting classifications of pathogenicity. Review status: criteria provided, conflicting classifications (1 of 4 stars). 3 submissions from 3 submitters: Uncertain significance (1); Likely benign (2). Last evaluated 2026-01-24.

Conditions:
Hereditary motor and sensory neuropathy, Okinawa type (HMSNO). Also called: HEREDITARY MOTOR AND SENSORY NEUROPATHY, PROXIMAL TYPE. Identifiers: Orphanet 90117, MedGen C1858338, MONDO:0011468, OMIM 604484.
Hereditary spastic paraplegia 57. Also called: Spastic paraplegia 57, autosomal recessive. Identifiers: Orphanet 431329, MedGen C3714897, MONDO:0014295, OMIM 615658.
Inborn genetic diseases. Identifiers: MedGen C0950123, MeSH D030342.

Allele frequency attached by ClinVar (database versions not stated): 1000 Genomes Project 30x 0.00016; TOPMed 0.00019; 1000 Genomes Project 0.00020; gnomAD 0.00021 and 0.00023; gnomAD exomes 0.00026 and 0.00044; ESP Exome Variant Server 0.00038; ExAC 0.00068.
gnomAD v4.1: 432 of 1,613,888 alleles (0.027%); highest among the groups gnomAD compares: South Asian, 0.036%; 1 homozygote.

Submissions (3):

Labcorp Genetics (formerly Invitae), Labcorp
Classification: Likely benign for Hereditary motor and sensory neuropathy, Okinawa type; Hereditary spastic paraplegia 57. Last evaluated: 2026-01-24. Review status: criteria provided, single submitter. Criteria: Invitae Variant Classification Sherloc (09022015). Collection method: clinical testing. Allele origin: germline.

GeneDx
Classification: Uncertain significance. Last evaluated: 2025-01-28. Review status: criteria provided, single submitter. Criteria: GeneDx Variant Classification Process June 2021. Collection method: clinical testing. Allele origin: germline. Affected: yes.
Comment: In silico analysis indicates that this missense variant does not alter protein structure/function; Has not been previously published as pathogenic or benign to our knowledge

Ambry Genetics
Classification: Likely benign for Inborn genetic diseases. Last evaluated: 2019-09-03. Review status: criteria provided, single submitter. Criteria: Ambry Variant Classification Scheme 2023. Collection method: clinical testing. Allele origin: germline.

NM_006070.6(TFG):c.988A>G (p.Thr330Ala)

Gene: TFG (trafficking from ER to golgi regulator; plus strand). Cytogenetic location: 3q12.2.
Variant type: single nucleotide variant.
Coding change: c.988A>G on transcript NM_006070.6 (MANE Select); coding-DNA position 988, A replaced by G.
Protein change: p.Thr330Ala; replaces threonine 330 with alanine.
Molecular consequence: missense variant.
Genome position (GRCh38, 1-based): chr3:100,748,316, A>G. VCF-style: chr3-100748316-A-G. GRCh37 (hg19) VCF-style: chr3-100467160-A-G.
Other names: c.988A>G, p.Thr330Ala (NM_001007565.2, NM_001195478.2); c.976A>G, p.Thr326Ala (NM_001195479.2); short protein forms T330A, T326A.
Identifiers: ClinVar variation 466412 (VCV000466412.17), dbSNP rs145835282, ClinGen allele CA2517240.